The following is an entry in ClinVar:

NM_016335.6(PRODH):c.457del (p.Glu153fs)

Gene: PRODH (proline dehydrogenase 1; minus strand). Cytogenetic location: 22q11.21.
Variant type: Deletion.
Coding change: c.457del on transcript NM_016335.6 (MANE Select); coding-DNA position 457, one base deleted (G; older notation c.457delG).
Protein change: p.Glu153fs; shifts the reading frame from glutamic acid 153.
Molecular consequence: frameshift variant.
Genome position (GRCh38, 1-based): chr22:18,931,015, C deleted on the plus strand (G on the coding strand, the reverse complement: PRODH is on the minus strand). VCF-style (leftmost placement, unchanged base first): chr22-18931014-TC-T. GRCh37 (hg19) VCF-style: chr22-18918527-TC-T.
Other names: c.133del, p.Glu45fs (NM_001195226.2, NM_001368250.2); short protein forms E153fs, E45fs.
Identifiers: ClinVar variation 2167860 (VCV002167860.5), dbSNP rs755378169, ClinGen allele CA10095439.

ClinVar aggregate classification (germline): Pathogenic/Likely pathogenic. Review status: criteria provided, multiple submitters, no conflicts (2 of 4 stars). 2 submissions from 2 submitters: Pathogenic (1); Likely pathogenic (1). Last evaluated 2022-06-22.

Conditions:
PRODH-related disorders.
Proline dehydrogenase deficiency (HYRPRO1). Also called: Hyperprolinemia type 1; PROLINE OXIDASE DEFICIENCY. Identifiers: Orphanet 419, MedGen C0268529, MONDO:0009400, OMIM 239500.

Allele frequency attached by ClinVar (database versions not stated): ExAC 0.00001.

Submissions (2):

Labcorp Genetics (formerly Invitae), Labcorp
Classification: Pathogenic for Proline dehydrogenase deficiency. Last evaluated: 2022-06-22. Review status: criteria provided, single submitter. Criteria: Invitae Variant Classification Sherloc (09022015). Collection method: clinical testing. Allele origin: germline.
Comment: This sequence change creates a premature translational stop signal (p.Glu153Argfs*79) in the PRODH gene. It is expected to result in an absent or disrupted protein product. Loss-of-function variants in PRODH are known to be pathogenic (PMID: 12525555, 15662599, 19736351). This variant is present in population databases (rs755378169, gnomAD 0.006%). This variant has not been reported in the literature in individuals affected with PRODH-related conditions. For these reasons, this variant has been classified as Pathogenic.

Blueprint Genetics
Classification: Likely pathogenic for PRODH-related disorders. Last evaluated: 2019-05-24. Review status: criteria provided, single submitter. Criteria: ACMG Guidelines, 2015. Collection method: clinical testing. Allele origin: germline. Affected: yes. Observed: 1 variant allele.

Literature cited by the submitters: PubMed 12525555 (cited by Labcorp Genetics (formerly Invitae), Labcorp); PubMed 15662599 (cited by Labcorp Genetics (formerly Invitae), Labcorp); PubMed 19736351 (cited by Labcorp Genetics (formerly Invitae), Labcorp).